The following is an entry in ClinVar:

NM_000131.5(F7):c.130G>A (p.Val44Ile)

Gene: F7 (coagulation factor VII; plus strand). Cytogenetic location: 13q34.
Variant type: single nucleotide variant.
Coding change: c.130G>A on transcript NM_000131.5 (MANE Plus Clinical); coding-DNA position 130, G replaced by A.
Protein change: p.Val44Ile; replaces valine 44 with isoleucine.
Molecular consequence: missense variant. On other transcripts: intron variant (2).
Genome position (GRCh38, 1-based): chr13:113,106,910, G>A. VCF-style: chr13-113106910-G-A. GRCh37 (hg19) VCF-style: chr13-113761224-G-A.
Other names: c.64+1005G>A (NM_019616.4, NM_001267554.2); short protein forms V44I.
Identifiers: ClinVar variation 2506137 (VCV002506137.1), dbSNP rs368272420, ClinGen allele CA256452187.
Genomic context (GRCh38, chr13:113,106,910, plus strand): 5'-GTCGCTAAGGCCTCAGGAGGAGAAACACGGGACATGCCGTGGAAGCCGGGGCCTCACAGA[G>A]GTGAGCAGGGACTGCCACTGGTTTTGTCCTGGGGCCCAGTGGGGGCCAACATCACCTCCT-3'
Protein context (NP_000122.1, residues 34-54): DMPWKPGPHR[Val44Ile]FVTQEEAHGV

ClinVar aggregate classification (germline): Likely pathogenic (1 of 4 stars; one submission).

Conditions:
Congenital factor VII deficiency. Identifiers: Orphanet 327, MedGen C0272320, MONDO:0009211, OMIM 227500.

Allele frequency attached by ClinVar (database versions not stated): TOPMed below 0.00001; gnomAD 0.00001.

Submission:

Women's Health and Genetics/Laboratory Corporation of America, LabCorp
Classification: Likely pathogenic for Congenital factor VII deficiency. Last evaluated: 2023-05-19. Review status: criteria provided, single submitter. Criteria: LabCorp Variant Classification Summary - May 2015. Collection method: clinical testing. Allele origin: germline.
Comment: Variant summary: F7 c.130G>A (p.Val44Ile) results in a conservative amino acid change located in the Gamma-carboxyglutamic acid-rich (GLA) domain (IPR000294) of the encoded protein sequence. Four of five in-silico tools predict a benign effect of the variant on protein function. Several computational tools predict a significant impact on normal splicing: four predict the variant weakens a 5' donor site. However, these predictions have yet to be confirmed by functional studies. The variant was absent in 228846 control chromosomes. c.130G>A has been reported in the literature in at least one homozygous affected with Congenital factor VII deficiency (e.g., Wulff_2000). These data indicate that the variant may be associated with disease. At least one publication reports a homozygous patient to have <10% of normal FVII:C activity (e.g., Wulff_2000). The following publication was ascertained in the context of this evaluation (PMID: 10862079). No clinical diagnostic laboratories have submitted clinical-significance assessments for this variant to ClinVar after 2014. Based on the evidence outlined above, the variant was classified as likely pathogenic.

Literature cited by the submitters: PubMed 10862079.